The following is an entry in ClinVar:

ClinVar aggregate classification (germline): Uncertain significance (1 of 4 stars; one submission).

Conditions:
Malignant hyperthermia, susceptibility to, 1 (MHS1). Also called: Anesthesia related hyperthermia; Malignant hyperpyrexia; Fulminating hyperpyrexia; Pharmacogenic myopathy; Malignant hyperthermia suceptibility 1; RYR1-Related Malignant Hyperthermia Susceptibility. Identifiers: Orphanet 423, MedGen C2930980, MONDO:0007783, OMIM 145600.

Submission:

All of Us Research Program, National Institutes of Health
Classification: Uncertain significance for Malignant hyperthermia, susceptibility to, 1. Last evaluated: 2024-04-25. Review status: criteria provided, single submitter. Criteria: ACMG Guidelines, 2015. Collection method: clinical testing. Allele origin: germline. Inheritance: Autosomal dominant inheritance. Observed: 1 variant allele, 1 heterozygote.
Comment: This missense variant replaces lysine with arginine at codon 4862 of the RYR1 protein. Computational prediction suggests that this variant may have deleterious impact on protein structure and function (internally defined REVEL score threshold >= 0.7, PMID: 27666373). To our knowledge, functional studies have not been reported for this variant. This variant has not been reported in individuals affected with RYR1-related disorders in the literature. This variant has not been identified in the general population by the Genome Aggregation Database (gnomAD). The available evidence is insufficient to determine the role of this variant in disease conclusively. Therefore, this variant is classified as a Variant of Uncertain Significance.

This study involves interpretation of variants in research participants for the purpose of population health screening. Participant phenotype was not available at the time of variant classification. Additional details can be found in publication PMID: 35346344, PMCID: PMC8962531

NM_000540.3(RYR1):c.14585A>G (p.Lys4862Arg)

Gene: RYR1 (ryanodine receptor 1; plus strand). Cytogenetic location: 19q13.2.
Variant type: single nucleotide variant.
Coding change: c.14585A>G on transcript NM_000540.3 (MANE Select); coding-DNA position 14585, A replaced by G.
Protein change: p.Lys4862Arg; replaces lysine 4862 with arginine.
Molecular consequence: missense variant.
Genome position (GRCh38, 1-based): chr19:38,580,443, A>G. VCF-style: chr19-38580443-A-G. GRCh37 (hg19) VCF-style: chr19-39071083-A-G.
Other names: c.14570A>G, p.Lys4857Arg (NM_001042723.2); short protein forms K4857R, K4862R.
Identifiers: ClinVar variation 3385627 (VCV003385627.1).
Genomic context (GRCh38, chr19:38,580,443, plus strand): 5'-TGGGCCTTCTGGCGGTGGTCGTCTACCTGTACACCGTGGTGGCCTTCAACTTCTTCCGCA[A>G]GTTCTACAACAAGAGCGAGGATGAGGATGAACCTGACATGAAGTGTGATGACATGATGAC-3'
Protein context (NP_000531.2, residues 4852-4872): YTVVAFNFFR[Lys4862Arg]FYNKSEDEDE